The following is an entry in ClinVar:

ClinVar aggregate classification (germline): Benign (1 of 4 stars; one submission).

Allele frequency attached by ClinVar (database versions not stated): gnomAD 0.25598 and 0.26737; TOPMed 0.26864; 1000 Genomes Project 30x 0.35025; 1000 Genomes Project 0.36082.
gnomAD v4.1: 40,657 of 152,056 alleles (27%); highest among the groups gnomAD compares: East Asian, 68%; 6,081 homozygotes.

Submission:

GeneDx
Classification: Benign. Last evaluated: 2018-06-15. Review status: criteria provided, single submitter. Criteria: GeneDx Variant Classification (06012015). Collection method: clinical testing. Allele origin: germline. Affected: yes.
Comment: This variant is considered likely benign or benign based on one or more of the following criteria: it is a conservative change, it occurs at a poorly conserved position in the protein, it is predicted to be benign by multiple in silico algorithms, and/or has population frequency not consistent with disease.

NM_032578.4(MYPN):c.2564+203G>T

Gene: MYPN (myopalladin; plus strand). Cytogenetic location: 10q21.3.
Variant type: single nucleotide variant.
Coding change: c.2564+203G>T on transcript NM_032578.4 (MANE Select); 203 bases into the intron after coding-DNA position 2564, G replaced by T.
Molecular consequence: intron variant.
Genome position (GRCh38, 1-based): chr10:68,174,859, G>T. VCF-style: chr10-68174859-G-T. GRCh37 (hg19) VCF-style: chr10-69934616-G-T.
Other names: c.2564+203G>T (NM_001256267.2); c.1682+203G>T (NM_001256268.2).
Identifiers: ClinVar variation 673050 (VCV000673050.1), dbSNP rs10997976, ClinGen allele CA13222920.